The following is an entry in ClinVar:

NM_198994.3(TGM6):c.1778G>A (p.Gly593Glu)

Gene: TGM6 (transglutaminase 6; plus strand). Cytogenetic location: 20p13.
Variant type: single nucleotide variant.
Coding change: c.1778G>A on transcript NM_198994.3 (MANE Select); coding-DNA position 1778, G replaced by A.
Protein change: p.Gly593Glu; replaces glycine 593 with glutamic acid.
Molecular consequence: missense variant.
Genome position (GRCh38, 1-based): chr20:2,430,545, G>A. VCF-style: chr20-2430545-G-A. GRCh37 (hg19) VCF-style: chr20-2411191-G-A.
Other names: c.1778G>A, p.Gly593Glu (NM_001254734.2); short protein forms G593E.
Identifiers: ClinVar variation 2985256 (VCV002985256.4), dbSNP rs1489336240, ClinGen allele CA408016891.

ClinVar aggregate classification (germline): Uncertain significance. Review status: criteria provided, multiple submitters, no conflicts (2 of 4 stars). 2 submissions from 2 submitters: Uncertain significance (2). Last evaluated 2026-01-19.

Allele frequency attached by ClinVar (database versions not stated): gnomAD 0.00001; TOPMed 0.00001.
gnomAD v4.1: 4 of 1,614,088 alleles (0.00025%); highest among the groups gnomAD compares: Admixed American, 0.0033%; no homozygotes.

Submissions (2):

Women's Health and Genetics/Laboratory Corporation of America, LabCorp
Classification: Uncertain significance. Last evaluated: 2026-01-19. Review status: criteria provided, single submitter. Criteria: LabCorp Variant Classification Summary - May 2015. Collection method: clinical testing. Allele origin: germline.
Comment: Variant summary: TGM6 c.1778G>A (p.Gly593Glu) results in a non-conservative amino acid change in the encoded protein sequence. Algorithms developed to predict the effect of missense changes on protein structure and function are either unavailable or do not agree on the potential impact of this missense change. The variant allele was found at a frequency of 1.2e-05 in 251416 control chromosomes. The available data on variant occurrences in the general population are insufficient to allow any conclusion about variant significance. To our knowledge, no occurrence of c.1778G>A in individuals affected with TGM6-related conditions and no experimental evidence demonstrating its impact on protein function have been reported. ClinVar contains an entry for this variant (Variation ID: 2985256). Based on the evidence outlined above, the variant was classified as uncertain significance.

Labcorp Genetics (formerly Invitae), Labcorp
Classification: Uncertain significance. Last evaluated: 2023-10-05. Review status: criteria provided, single submitter. Criteria: Invitae Variant Classification Sherloc (09022015). Collection method: clinical testing. Allele origin: germline.
Comment: This sequence change replaces glycine, which is neutral and non-polar, with glutamic acid, which is acidic and polar, at codon 593 of the TGM6 protein (p.Gly593Glu). This variant is present in population databases (no rsID available, gnomAD 0.006%). This variant has not been reported in the literature in individuals affected with TGM6-related conditions. Advanced modeling of protein sequence and biophysical properties (such as structural, functional, and spatial information, amino acid conservation, physicochemical variation, residue mobility, and thermodynamic stability) performed at Invitae indicates that this missense variant is not expected to disrupt TGM6 protein function. In summary, the available evidence is currently insufficient to determine the role of this variant in disease. Therefore, it has been classified as a Variant of Uncertain Significance.